The following is an entry in ClinVar:

NM_152594.3(SPRED1):c.171C>A (p.Asp57Glu)

Gene: SPRED1 (sprouty related EVH1 domain containing 1; plus strand). Cytogenetic location: 15q14.
Variant type: single nucleotide variant.
Coding change: c.171C>A on transcript NM_152594.3 (MANE Select); coding-DNA position 171, C replaced by A.
Protein change: p.Asp57Glu; replaces aspartic acid 57 with glutamic acid.
Molecular consequence: missense variant.
Genome position (GRCh38, 1-based): chr15:38,299,511, C>A. VCF-style: chr15-38299511-C-A. GRCh37 (hg19) VCF-style: chr15-38591712-C-A.
Other names: short protein forms D57E.
Identifiers: ClinVar variation 4740755 (VCV004740755.1).
Genomic context (GRCh38, chr15:38,299,511, plus strand): 5'-TGGACTAAGCAGCGTCACTGTCTTCAAAGTCCCTCATCAGGAAGAGAATGGCTGTGCTGA[C>A]TTTTTTATCCGTGGAGAGCGACTCAGGGACAAAATGGTAATGAATAATGTATCTAATACT-3'
Protein context (NP_689807.1, residues 47-67): VPHQEENGCA[Asp57Glu]FFIRGERLRD

ClinVar aggregate classification (germline): Uncertain significance (1 of 4 stars; one submission).

Conditions:
Legius syndrome. Identifiers: Orphanet 137605, MedGen C1969623, MONDO:0012669, OMIM 611431. Disease mechanism: loss of function.

gnomAD v4.1: 1 of 1,613,966 alleles (0.000062%); highest among the groups gnomAD compares: East Asian, 0.0022%; no homozygotes.

Submission:

Labcorp Genetics (formerly Invitae), Labcorp
Classification: Uncertain significance for Legius syndrome. Last evaluated: 2025-08-21. Review status: criteria provided, single submitter. Criteria: Invitae Variant Classification Sherloc (09022015). Collection method: clinical testing. Allele origin: germline.
Comment: This sequence change replaces aspartic acid, which is acidic and polar, with glutamic acid, which is acidic and polar, at codon 57 of the SPRED1 protein (p.Asp57Glu). This variant is not present in population databases (gnomAD no frequency). This missense change has been observed in individual(s) with clinical features of SPRED1-related conditions (PMID: 32396270). Invitae Evidence Modeling of protein sequence and biophysical properties (such as structural, functional, and spatial information, amino acid conservation, physicochemical variation, residue mobility, and thermodynamic stability) indicates that this missense variant is not expected to disrupt SPRED1 protein function with a negative predictive value of 80%. In summary, the available evidence is currently insufficient to determine the role of this variant in disease. Therefore, it has been classified as a Variant of Uncertain Significance.

Literature cited by the submitters: PubMed 32396270.